The following is an entry in ClinVar:

ClinVar aggregate classification (germline): Conflicting classifications of pathogenicity. Review status: criteria provided, conflicting classifications (1 of 4 stars). 5 submissions from 5 submitters: Uncertain significance (1); Benign (1); Likely benign (3). Last evaluated 2026-01-25.

Conditions:
Weill-Marchesani 4 syndrome, recessive. Also called: Weill-Marchesani syndrome 4. Identifiers: Orphanet 363992, MedGen C2750787, MONDO:0013176, OMIM 613195.

Allele frequency attached by ClinVar (database versions not stated): ESP Exome Variant Server 0.00023; gnomAD exomes 0.00037 and 0.00064; ExAC 0.00064; gnomAD 0.00072 and 0.00075; 1000 Genomes Project 30x 0.00078; 1000 Genomes Project 0.00080; TOPMed 0.00126.
gnomAD v4.1: 691 of 1,614,094 alleles (0.043%); highest among the groups gnomAD compares: Admixed American, 0.15%; 1 homozygote.

Submissions (5):

Labcorp Genetics (formerly Invitae), Labcorp
Classification: Benign. Last evaluated: 2026-01-25. Review status: criteria provided, single submitter. Criteria: Invitae Variant Classification Sherloc (09022015). Collection method: clinical testing. Allele origin: germline.

Mayo Clinic Laboratories, Mayo Clinic
Classification: Likely benign. Last evaluated: 2024-10-16. Review status: criteria provided, single submitter. Criteria: ACMG Guidelines, 2015. Collection method: clinical testing. Allele origin: germline. Observed: 1 variant allele.
Comment: BS1, BP4, BP7

Blueprint Genetics
Classification: Likely benign. Last evaluated: 2024-09-09. Review status: criteria provided, single submitter. Criteria: ACMG Guidelines, 2015. Collection method: clinical testing. Allele origin: germline.

CeGaT Center for Human Genetics Tuebingen
Classification: Likely benign. Last evaluated: 2024-08-01. Review status: criteria provided, single submitter. Criteria: CeGaT Center For Human Genetics Tuebingen Variant Classification Criteria Version 2. Collection method: clinical testing. Allele origin: germline. Affected: yes. Observed: 1 variant allele.
Comment: ADAMTS17: BP4, BP7

Illumina Laboratory Services, Illumina
Classification: Uncertain significance for Weill-Marchesani 4 syndrome, recessive. Last evaluated: 2018-01-13. Review status: criteria provided, single submitter. Criteria: ICSL Variant Classification Criteria 13 December 2019. Collection method: clinical testing. Allele origin: germline.

NM_139057.4(ADAMTS17):c.2109G>A (p.Lys703=)

Gene: ADAMTS17 (ADAM metallopeptidase with thrombospondin type 1 motif 17; minus strand). Cytogenetic location: 15q26.3.
Variant type: single nucleotide variant.
Coding change: c.2109G>A on transcript NM_139057.4 (MANE Select); coding-DNA position 2109, G replaced by A.
Protein change: p.Lys703=; no amino-acid change (lysine 703 retained).
Molecular consequence: synonymous variant.
Genome position (GRCh38, 1-based): chr15:100,096,384, C>T on the plus strand (G>A on the coding strand, the complement: ADAMTS17 is on the minus strand). VCF-style: chr15-100096384-C-T. GRCh37 (hg19) VCF-style: chr15-100636589-C-T.
Other names: p.Lys703=.
Identifiers: ClinVar variation 315271 (VCV000315271.30), dbSNP rs139059770, ClinGen allele CA7757894.